The following is an entry in ClinVar:

ClinVar aggregate classification (germline): Conflicting classifications of pathogenicity. Review status: criteria provided, conflicting classifications (1 of 4 stars). 3 submissions from 3 submitters: Uncertain significance (2); Likely benign (1). Last evaluated 2025-12-30.

Conditions:
Hereditary breast ovarian cancer syndrome. Also called: Hereditary breast and/or ovarian cancer syndrome; Breast and ovarian cancer; Hereditary breast and ovarian cancer; Hereditary breast and ovarian cancer syndrome (HBOC); Hereditary breast and ovarian cancer syndrome; BRCA1- and BRCA2-Associated Hereditary Breast and Ovarian Cancer. Identifiers: Orphanet 145, MedGen C0677776, MeSH D061325, MONDO:0003582. Disease mechanism: loss of function.
Hereditary cancer-predisposing syndrome. Also called: Neoplastic Syndromes, Hereditary; Hereditary neoplastic syndrome; Tumor predisposition; Hereditary Cancer Syndrome. Identifiers: Orphanet 140162, MedGen C0027672, MeSH D009386, MONDO:0015356.

Allele frequency attached by ClinVar (database versions not stated): gnomAD exomes below 0.00001.
gnomAD v4.1: 1 of 1,614,126 alleles (0.000062%); highest among the groups gnomAD compares: Non-Finnish European, 0.000085%; no homozygotes.

Submissions (3):

Ambry Genetics
Classification: Uncertain significance for Hereditary cancer-predisposing syndrome. Last evaluated: 2025-12-30. Review status: criteria provided, single submitter. Criteria: Ambry Variant Classification Scheme 2023. Collection method: clinical testing. Allele origin: germline.
Comment: The p.H1326Y variant (also known as c.3976C>T), located in coding exon 9 of the BRCA1 gene, results from a C to T substitution at nucleotide position 3976. The histidine at codon 1326 is replaced by tyrosine, an amino acid with similar properties. This amino acid position is not well conserved in available vertebrate species. In addition, the in silico prediction for this alteration is inconclusive. Based on the available evidence, the clinical significance of this variant remains unclear.

University of Washington Department of Laboratory Medicine, University of Washington
Classification: Likely benign for Hereditary cancer-predisposing syndrome. Last evaluated: 2023-03-23. Review status: criteria provided, single submitter. Criteria: Dines et al. (Genet Med. 2020). Collection method: curation. Allele origin: germline.
Comment: Missense variant in a coldspot region where missense variants are very unlikely to be pathogenic (PMID:31911673).

BRCA1 coldspot (exon 11 using historical exon numbering). Reclassification based on statistical prior probability

Labcorp Genetics (formerly Invitae), Labcorp
Classification: Uncertain significance for Hereditary breast ovarian cancer syndrome. Last evaluated: 2021-08-31. Review status: criteria provided, single submitter. Criteria: Invitae Variant Classification Sherloc (09022015). Collection method: clinical testing. Allele origin: germline.
Comment: This sequence change replaces histidine with tyrosine at codon 1326 of the BRCA1 protein (p.His1326Tyr). The histidine residue is moderately conserved and there is a moderate physicochemical difference between histidine and tyrosine. This variant is not present in population databases (ExAC no frequency). This variant has not been reported in the literature in individuals affected with BRCA1-related conditions. ClinVar contains an entry for this variant (Variation ID: 572521). Algorithms developed to predict the effect of missense changes on protein structure and function output the following: SIFT: "Tolerated"; PolyPhen-2: "Possibly Damaging"; Align-GVGD: "Class C0". The tyrosine amino acid residue is found in multiple mammalian species, which suggests that this missense change does not adversely affect protein function. Algorithms developed to predict the effect of sequence changes on RNA splicing suggest that this variant may create or strengthen a splice site. In summary, the available evidence is currently insufficient to determine the role of this variant in disease. Therefore, it has been classified as a Variant of Uncertain Significance.

NM_007294.4(BRCA1):c.3976C>T (p.His1326Tyr)

Genes: BRCA1 (BRCA1 DNA repair associated; minus strand), LOC126862571 (BRD4-independent group 4 enhancer GRCh37_chr17:41243136-41244335; plus strand). Cytogenetic location: 17q21.31.
Variant type: single nucleotide variant.
Coding change: c.3976C>T on transcript NM_007294.4 (MANE Select); coding-DNA position 3976, C replaced by T.
Protein change: p.His1326Tyr; replaces histidine 1326 with tyrosine.
Molecular consequence: missense variant. On other transcripts: intron variant (135).
Genome position (GRCh38, 1-based): chr17:43,091,555, G>A on the plus strand (C>T on the coding strand, the complement: BRCA1 is on the minus strand). VCF-style: chr17-43091555-G-A. GRCh37 (hg19) VCF-style: chr17-41243572-G-A.
Other names: c.3763C>T, p.His1255Tyr (NM_001407571.1, NM_001407853.1, NM_001407894.1 and 9 more transcripts); c.3976C>T, p.His1326Tyr (NM_001407581.1, NM_001407582.1, NM_001407583.1 and 30 more transcripts); c.3973C>T, p.His1325Tyr (NM_001407587.1, NM_001407590.1, NM_001407591.1 and 22 more transcripts); c.3967C>T, p.His1323Tyr (NM_001407646.1, NM_001407647.1); c.3853C>T, p.His1285Tyr (NM_001407648.1, NM_001407664.1, NM_001407665.1 and 19 more transcripts); c.3850C>T, p.His1284Tyr (NM_001407649.1, NM_001407670.1, NM_001407671.1 and 11 more transcripts); c.3898C>T, p.His1300Tyr (NM_001407653.1, NM_001407654.1, NM_001407655.1 and 4 more transcripts); c.3895C>T, p.His1299Tyr (NM_001407659.1, NM_001407660.1, NM_001407661.1 and 1 more transcripts); and 41 more; short protein forms H1326Y, H1279Y, H1256Y, H1300Y, H1323Y, H1325Y, H458Y, H1030Y.
Identifiers: ClinVar variation 572521 (VCV000572521.12), dbSNP rs1567789376, ClinGen allele CA10594013.
Genomic context (GRCh38, chr17:43,091,555, plus strand): 5'-CTTCATCATCTGAAACCAATTCCTTGTCACTCAGACCAACTCCCTGGCTTTCAGACTGAT[G>A]CCTCATTTGTTTGGAAGAACCAATCAAGAAAGGATCCTGGGTGTTTGTATTTGCAGTCAA-3'
Protein context (NP_009225.1, residues 1316-1336): FLIGSSKQMR[His1326Tyr]QSESQGVGLS